The following is an entry in ClinVar:

NM_032447.5(FBN3):c.2084A>G (p.Asn695Ser)

Gene: FBN3 (fibrillin 3; minus strand). Cytogenetic location: 19p13.2.
Variant type: single nucleotide variant.
Coding change: c.2084A>G on transcript NM_032447.5 (MANE Select); coding-DNA position 2084, A replaced by G.
Protein change: p.Asn695Ser; replaces asparagine 695 with serine.
Molecular consequence: missense variant.
Genome position (GRCh38, 1-based): chr19:8,129,326, T>C on the plus strand (A>G on the coding strand, the complement: FBN3 is on the minus strand). VCF-style: chr19-8129326-T-C. GRCh37 (hg19) VCF-style: chr19-8194210-T-C.
Other names: c.2084A>G, p.Asn695Ser (NM_001321431.2); short protein forms N695S.
Identifiers: ClinVar variation 4023483 (VCV004023483.2).

ClinVar aggregate classification (germline): Uncertain significance. Review status: criteria provided, multiple submitters, no conflicts (2 of 4 stars). 2 submissions from 2 submitters: Uncertain significance (2). Last evaluated 2025-05-13.

gnomAD v4.1: 26 of 1,614,008 alleles (0.0016%); highest among the groups gnomAD compares: Non-Finnish European, 0.0022%; no homozygotes.

Submissions (2):

Ambry Genetics
Classification: Uncertain significance. Last evaluated: 2025-05-13. Review status: criteria provided, single submitter. Criteria: Ambry Variant Classification Scheme 2023. Collection method: clinical testing. Allele origin: germline.

Labcorp Genetics (formerly Invitae), Labcorp
Classification: Uncertain significance. Last evaluated: 2025-02-11. Review status: criteria provided, single submitter. Criteria: Invitae Variant Classification Sherloc (09022015). Collection method: clinical testing. Allele origin: germline.
Comment: This sequence change replaces asparagine, which is neutral and polar, with serine, which is neutral and polar, at codon 695 of the FBN3 protein (p.Asn695Ser). This variant is present in population databases (rs754231890, gnomAD 0.003%). This variant has not been reported in the literature in individuals affected with FBN3-related conditions. Invitae Evidence Modeling of protein sequence and biophysical properties (such as structural, functional, and spatial information, amino acid conservation, physicochemical variation, residue mobility, and thermodynamic stability) indicates that this missense variant is expected to disrupt FBN3 protein function with a positive predictive value of 80%. In summary, the available evidence is currently insufficient to determine the role of this variant in disease. Therefore, it has been classified as a Variant of Uncertain Significance.